The following continues an entry in ClinVar:

NM_001182.5(ALDH7A1):c.1279G>C (p.Glu427Gln)

Gene: ALDH7A1. ClinVar aggregate classification (germline): Pathogenic/Likely pathogenic. Pathogenic (35); Likely pathogenic (2).

Submissions 9 to 21 of 43:

Women's Health and Genetics/Laboratory Corporation of America, LabCorp
Classification: Pathogenic for Pyridoxine-dependent epilepsy. Last evaluated: 2025-05-05. Review status: criteria provided, single submitter. Criteria: LabCorp Variant Classification Summary - May 2015. Collection method: clinical testing. Allele origin: germline.
Comment: Variant summary: ALDH7A1 c.1279G>C (p.Glu427Gln) results in a conservative amino acid change in the encoded protein sequence. Algorithms developed to predict the effect of missense changes on protein structure and function are either unavailable or do not agree on the potential impact of this missense change. The variant allele was found at a frequency of 0.00036 in 251230 control chromosomes (gnomAD). This frequency is not significantly higher than estimated for a pathogenic variant in ALDH7A1 causing Pyridoxine-Dependent Epilepsy (0.00036 vs 0.0018), allowing no conclusion about variant significance. The variant, Glu427Gln (aka Glu399Gln), has been observed in several homozygous- and compound heterozygous individuals affected with Pyridoxine-Dependent Epilepsy (e.g. Mills_2006, Plecko_2007). These data indicate that the variant is very likely to be associated with disease. A different variant affecting the same codon has been classified as pathogenic by our lab (c.1281G>T, p.Glu427Asp), supporting the critical relevance of codon 427 to ALDH7A1 protein function. Publications also reported experimental evidence evaluating an impact on protein function, and demonstrated undetectable activity for the variant protein (e.g. Mills_2006, Coulter-Mackie_2012). The following publications have been ascertained in the context of this evaluation (PMID: 16491085, 17068770, 22784480). ClinVar contains an entry for this variant (Variation ID: 17994). Based on the evidence outlined above, the variant was classified as pathogenic.

Cytogénomique, Hospices Civils de Lyon
Classification: Pathogenic for Seizure. Last evaluated: 2024-09-23. Review status: criteria provided, single submitter. Criteria: ACMG Guidelines, 2015. Collection method: clinical testing. Allele origin: unknown. Affected: yes.

Blueprint Genetics
Classification: Pathogenic for ALDH7A1-related disorders. Last evaluated: 2024-07-19. Review status: criteria provided, single submitter. Criteria: ACMG Guidelines, 2015. Collection method: clinical testing. Allele origin: germline. Affected: yes. Observed: 5 variant alleles.

Fulgent Genetics
Classification: Pathogenic for Pyridoxine-dependent epilepsy. Last evaluated: 2024-03-26. Review status: criteria provided, single submitter. Criteria: ACMG Guidelines, 2015. Collection method: clinical testing. Allele origin: germline.

Genomic Medicine Center of Excellence, King Faisal Specialist Hospital and Research Centre
Classification: Pathogenic for Pyridoxine-dependent epilepsy. Last evaluated: 2024-03-17. Review status: criteria provided, single submitter. Criteria: ACMG Guidelines, 2015. Collection method: research. Allele origin: germline.

Institute of Human Genetics, University of Leipzig Medical Center
Classification: Pathogenic for Pyridoxine-dependent epilepsy. Last evaluated: 2024-02-13. Review status: criteria provided, single submitter. Criteria: ACMG Guidelines, 2015. Collection method: clinical testing. Allele origin: maternal. Inheritance: Autosomal recessive inheritance. Affected: yes.
Comment: Criteria applied: PM3_VSTR,PM5_STR,PP3

ARUP Laboratories, Molecular Genetics and Genomics, ARUP Laboratories
Classification: Pathogenic for Pyridoxine-dependent epilepsy. Last evaluated: 2023-11-14. Review status: criteria provided, single submitter. Criteria: ARUP Molecular Germline Variant Investigation Process 2024. Collection method: clinical testing. Allele origin: germline.
Comment: The ALDH7A1 c.1279G>C; p.Glu427Gln variant (rs121912707), also known as Glu399Gln for legacy nomenclature, is reported as a common pathogenic variant that has been identified both homozygous and compound heterozygous in several individuals with autosomal recessive epilepsy (Bennett 2009, Mefford 2015, Monies 2019, Schmitt 2010). Additionally, other variants at this codon (p.Glu427Asp, p.Glu427Gly) have also been reported in affected individuals (Bennett 2009). The p.Glu427Gln variant is reported in ClinVar (Variation ID: 17994). It is observed in the general population with an overall allele frequency of 0.03% (93/282634 alleles) in the Genome Aggregation Database (v2.1.1). Computational analyses predict that this variant is deleterious (REVEL: 0.944). In support of these predictions, functional analyses show an effect of this variant on enzyme activity (Coulter-Mackie 2012). Based on available information, this variant is considered to be pathogenic. References: Bennett CL et al. Prevalence of ALDH7A1 mutations in 18 North American pyridoxine-dependent seizure (PDS) patients. Epilepsia. 2009 May;50(5):1167-75. PMID: 19128417. Coulter-Mackie MB et al. Overexpression of human antiquitin in E. coli: enzymatic characterization of twelve ALDH7A1 missense mutations associated with pyridoxine-dependent epilepsy. Mol Genet Metab. 2012 Aug;106(4):478-81. PMID: 22784480. Mefford HC et al. Intragenic deletions of ALDH7A1 in pyridoxine-dependent epilepsy caused by Alu-Alu recombination. Neurology. 2015 Sep 1;85(9):756-62. PMID: 26224730. Monies D et al. Lessons Learned from Large-Scale, First-Tier Clinical Exome Sequencing in a Highly Consanguineous Population. Am J Hum Genet. 2019 Jun 6;104(6):1182-1201. PMID: 31130284. Schmitt B et al. Seizures and paroxysmal events: symptoms pointing to the diagnosis of pyridoxine-dependent epilepsy and pyridoxine phosphate oxidase deficiency. Dev Med Child Neurol. 2010 Jul;52(7):e133-42. PMID: 20370816.

Department of Human Genetics, Hannover Medical School
Classification: Pathogenic for Pyridoxine-dependent epilepsy. Last evaluated: 2023-07-27. Review status: criteria provided, single submitter. Criteria: ACMG Guidelines, 2015. Collection method: clinical testing. Allele origin: germline. Inheritance: Autosomal recessive inheritance. Affected: yes.

Genome-Nilou Lab
Classification: Likely pathogenic for Pyridoxine-dependent epilepsy. Last evaluated: 2023-04-11. Review status: criteria provided, single submitter. Criteria: ACMG Guidelines, 2015. Collection method: clinical testing. Allele origin: germline. Affected: no.

Institute of Medical Genetics and Applied Genomics, University Hospital Tübingen
Classification: Pathogenic for Pyridoxine-dependent epilepsy. Last evaluated: 2022-12-07. Review status: criteria provided, single submitter. Criteria: ACMG Guidelines, 2015. Collection method: clinical testing. Allele origin: germline. Inheritance: Autosomal recessive inheritance. Affected: yes.

Laboratory for Molecular Medicine, Mass General Brigham Personalized Medicine
Classification: Pathogenic for Pyridoxine-dependent epilepsy. Last evaluated: 2022-08-26. Review status: criteria provided, single submitter. Criteria: ACMG Guidelines, 2015. Collection method: clinical testing. Allele origin: germline. Inheritance: Autosomal recessive inheritance.
Comment: The p.Glu427Gln variant in ALDH7A1 (also referred to as p.Glu399Gln in the literature) has been reported in at least 3 homozygous and 7 compound heterozygous individuals with pyridoxine-dependent epilepsy (Mills 2006 PMID: 16491085, Schmitt 2010 PMID: 20370816, Nam 2012 PMID: 22371912, Proudfoot 2012 PMID: 23430810, van Karnebeek 201 PMID: 230220702). This variant has also been identified in 45/66588 of European chromosomes by the Exome Aggregation Consortium (ExAC; dbSNP rs121912707). Although this variant has been seen in the general population, its frequency is low enough to be consistent with a recessive carrier frequency. In addition, in vitro functional studies provide evidence that the p.Glu427Gln variant impacts protein function (Mills 2006 PMID: 16491085, Coulter-Mackie 2012 PMID: 22784480). In summary, this variant meets our criteria to be classified as pathogenic for pyridoxine-dependent epilepsy in an autosomal recessive manner based upon its co-occurrence with pathogenic variants in affected individuals and functional evidence. ACMG/AMP criteria applied: PM3_VeryStrong, PS3, PP3.

Clinical Genetics Laboratory, Skane University Hospital Lund
Classification: Pathogenic. Last evaluated: 2022-07-13. Review status: criteria provided, single submitter. Criteria: ACMG Guidelines, 2015. Collection method: clinical testing. Allele origin: germline. Affected: yes.

Broad Center for Mendelian Genomics, Broad Institute of MIT and Harvard
Classification: Pathogenic for Pyridoxine-dependent epilepsy caused by ALDH7A1 mutant. Last evaluated: 2022-05-04. Review status: criteria provided, single submitter. Criteria: ACMG Guidelines, 2015. Collection method: curation. Allele origin: germline. Inheritance: Autosomal recessive inheritance.
Comment: The variant has been reported in at least 10 individuals of European and unknown ethnicity with pyridoxine-dependent epilepsy (PMID: 16491085, 19128417), and has been identified in 0.06% (79/129032) of European non-Finnish, 0.02% (4/19918) of East Asian, and 0.01% (4/35418) of Latino chromosomes by the Genome Aggregation Database (gnomAD; dbSNP ID: rs121912707). Although this variant has been seen in the general population, its frequency is not high enough to rule out a pathogenic role. This variant has also been reported in ClinVar (Variation ID: 17994) as pathogenic by multiple submitters and as likely pathogenic by UCLA Clinical Genomics Center. In vitro functional studies provide some evidence that the p.Glu427Gln variant may impact protein function (PMID: 22784480, 16491085). However, these types of assays may not accurately represent biological function. Computational prediction tools and conservation analyses suggest that this variant may impact the protein, though this information is not predictive enough to determine pathogenicity. The presence of this variant in at least 5 affected homozygotes, and in combination with 2 reported pathogenic variants, and in at least 10 individuals with pyridoxine-dependent epilepsy increases the likelihood that the p.Glu427Gln variant is pathogenic (VariationID: 17995, 204852; PMID: 16491085, 19128417). The p.Glu427Gln variant is located in a region of ALDH7A1 that is essential to protein folding and stability, suggesting that this variant is in a mutational hotspot and slightly supports pathogenicity (PMID: 16491085, 31652343). One additional likely pathogenic variants, resulting in a different amino acid change at the same position (p.Glu427Gly), have been reported in association with disease in the literature, supporting that a change at this position may not be tolerated (PMID: 19128417). In summary, the p.Glu427Gln variant is pathogenic based off of our findings of multiple reports in ClinVar, and the literature. ACMG/AMP Criteria applied: PM3_strong, PM5_supporting, PM1, PS3_moderate, PP3 (Richards 2015).